The following is an entry in ClinVar:

NM_001231.5(CASQ1):c.100G>A (p.Gly34Arg)

Gene: CASQ1 (calsequestrin 1; plus strand). Cytogenetic location: 1q23.2.
Variant type: single nucleotide variant.
Coding change: c.100G>A on transcript NM_001231.5 (MANE Select); coding-DNA position 100, G replaced by A.
Protein change: p.Gly34Arg; replaces glycine 34 with arginine.
Molecular consequence: missense variant.
Genome position (GRCh38, 1-based): chr1:160,190,851, G>A. VCF-style: chr1-160190851-G-A. GRCh37 (hg19) VCF-style: chr1-160160641-G-A.
Other names: short protein forms G34R.
Identifiers: ClinVar variation 2788075 (VCV002788075.3), dbSNP rs1162251757, ClinGen allele CA343249389.

ClinVar aggregate classification (germline): Uncertain significance (1 of 4 stars; one submission).

Allele frequency attached by ClinVar (database versions not stated): gnomAD exomes below 0.00001.
gnomAD v4.1: 1 of 1,614,186 alleles (0.000062%); highest among the groups gnomAD compares: Admixed American, 0.0017%; no homozygotes.

Submission:

Labcorp Genetics (formerly Invitae), Labcorp
Classification: Uncertain significance. Last evaluated: 2024-11-27. Review status: criteria provided, single submitter. Criteria: Invitae Variant Classification Sherloc (09022015). Collection method: clinical testing. Allele origin: germline.
Comment: This sequence change replaces glycine, which is neutral and non-polar, with arginine, which is basic and polar, at codon 34 of the CASQ1 protein (p.Gly34Arg). This variant is present in population databases (no rsID available, gnomAD 0.003%). This variant has not been reported in the literature in individuals affected with CASQ1-related conditions. ClinVar contains an entry for this variant (Variation ID: 2788075). An algorithm developed to predict the effect of missense changes on protein structure and function outputs the following: PolyPhen-2: "Probably Damaging". The arginine amino acid residue is found in multiple mammalian species, which suggests that this missense change does not adversely affect protein function. In summary, the available evidence is currently insufficient to determine the role of this variant in disease. Therefore, it has been classified as a Variant of Uncertain Significance.